The following is an entry in ClinVar:

NM_015202.5(KATNIP):c.4302G>A (p.Ser1434=)

Gene: KATNIP (katanin interacting protein; plus strand). Cytogenetic location: 16p12.1.
Variant type: single nucleotide variant.
Coding change: c.4302G>A on transcript NM_015202.5 (MANE Select); coding-DNA position 4302, G replaced by A.
Protein change: p.Ser1434=; no amino-acid change (serine 1434 retained).
Molecular consequence: synonymous variant.
Genome position (GRCh38, 1-based): chr16:27,773,202, G>A. VCF-style: chr16-27773202-G-A. GRCh37 (hg19) VCF-style: chr16-27784523-G-A.
Identifiers: ClinVar variation 2145603 (VCV002145603.1), dbSNP rs201399738, ClinGen allele CA7978571.

ClinVar aggregate classification (germline): Uncertain significance (1 of 4 stars; one submission).

Allele frequency attached by ClinVar (database versions not stated): ExAC 0.00008; gnomAD 0.00015; TOPMed 0.00019; ESP Exome Variant Server 0.00023; gnomAD exomes 0.00025.
gnomAD v4.1: 386 of 1,604,844 alleles (0.024%); highest among the groups gnomAD compares: Non-Finnish European, 0.031%; no homozygotes.

Submission:

Labcorp Genetics (formerly Invitae), Labcorp
Classification: Uncertain significance. Last evaluated: 2022-06-26. Review status: criteria provided, single submitter. Criteria: Invitae Variant Classification Sherloc (09022015). Collection method: clinical testing. Allele origin: germline.
Comment: This sequence change affects codon 1434 of the KIAA0556 mRNA. It is a 'silent' change, meaning that it does not change the encoded amino acid sequence of the KIAA0556 protein. This variant is present in population databases (rs201399738, gnomAD 0.02%). This variant has not been reported in the literature in individuals affected with KIAA0556-related conditions. Algorithms developed to predict the effect of sequence changes on RNA splicing suggest that this variant is not likely to affect RNA splicing. In summary, the available evidence is currently insufficient to determine the role of this variant in disease. Therefore, it has been classified as a Variant of Uncertain Significance.